The following is an entry in ClinVar:

NM_000532.5(PCCB):c.167A>G (p.Asp56Gly)

Gene: PCCB (propionyl-CoA carboxylase subunit beta; plus strand). Cytogenetic location: 3q22.3.
Variant type: single nucleotide variant.
Coding change: c.167A>G on transcript NM_000532.5 (MANE Select); coding-DNA position 167, A replaced by G.
Protein change: p.Asp56Gly; replaces aspartic acid 56 with glycine.
Molecular consequence: missense variant.
Genome position (GRCh38, 1-based): chr3:136,250,542, A>G. VCF-style: chr3-136250542-A-G. GRCh37 (hg19) VCF-style: chr3-135969384-A-G.
Other names: c.167A>G, p.Asp56Gly (NM_001178014.2); short protein forms D56G.
Identifiers: ClinVar variation 900626 (VCV000900626.10), dbSNP rs1422527852, ClinGen allele CA354738116.

ClinVar aggregate classification (germline): Uncertain significance. Review status: criteria provided, multiple submitters, no conflicts (2 of 4 stars). 3 submissions from 3 submitters: Uncertain significance (3). Last evaluated 2025-10-02.

Conditions:
Propionic acidemia (PROP). Also called: GLYCINEMIA, KETOTIC; HYPERGLYCINEMIA WITH KETOACIDOSIS AND LEUKOPENIA; KETOTIC HYPERGLYCINEMIA. Identifiers: Orphanet 35, MedGen C0268579, MONDO:0011628, OMIM 606054, HP:0003571.
Inborn genetic diseases. Identifiers: MedGen C0950123, MeSH D030342.

Allele frequency attached by ClinVar (database versions not stated): TOPMed 0.00001; gnomAD 0.00003.
gnomAD v4.1: 9 of 1,612,320 alleles (0.00056%); highest among the groups gnomAD compares: East Asian, 0.0022%; no homozygotes.

Submissions (3):

Ambry Genetics
Classification: Uncertain significance for Inborn genetic diseases. Last evaluated: 2025-10-02. Review status: criteria provided, single submitter. Criteria: Ambry Variant Classification Scheme 2023. Collection method: clinical testing. Allele origin: germline.

Labcorp Genetics (formerly Invitae), Labcorp
Classification: Uncertain significance for Propionic acidemia. Last evaluated: 2021-08-28. Review status: criteria provided, single submitter. Criteria: Invitae Variant Classification Sherloc (09022015). Collection method: clinical testing. Allele origin: germline.
Comment: This sequence change replaces aspartic acid with glycine at codon 56 of the PCCB protein (p.Asp56Gly). The aspartic acid residue is highly conserved and there is a moderate physicochemical difference between aspartic acid and glycine. This variant is not present in population databases (ExAC no frequency). This variant has not been reported in the literature in individuals affected with PCCB-related conditions. Algorithms developed to predict the effect of missense changes on protein structure and function are either unavailable or do not agree on the potential impact of this missense change (SIFT: "Deleterious"; PolyPhen-2: "Benign"; Align-GVGD: "Class C15"). In summary, the available evidence is currently insufficient to determine the role of this variant in disease. Therefore, it has been classified as a Variant of Uncertain Significance.

Illumina Laboratory Services, Illumina
Classification: Uncertain significance for Propionic acidemia. Last evaluated: 2017-04-27. Review status: criteria provided, single submitter. Criteria: ICSL Variant Classification Criteria 13 December 2019. Collection method: clinical testing. Allele origin: germline.